The following is an entry in ClinVar:

NM_000173.7(GP1BA):c.1601_1602del (p.Tyr534fs)

Gene: GP1BA (glycoprotein Ib platelet subunit alpha; plus strand). Cytogenetic location: 17p13.2.
Variant type: Deletion.
Coding change: c.1601_1602del on transcript NM_000173.7 (MANE Select); coding-DNA positions 1601 to 1602, 2 bases deleted (AT; older notation c.1601_1602delAT).
Protein change: p.Tyr534fs; shifts the reading frame from tyrosine 534.
Molecular consequence: frameshift variant.
Genome position (GRCh38, 1-based): chr17:4,934,205-4,934,206, AT deleted; deleting any 2 consecutive bases within chr17:4,934,204-4,934,206 gives the same sequence; the c. name uses the placement nearest the transcript's 3' end. VCF-style (leftmost placement, unchanged base first): chr17-4934203-CTA-C. GRCh37 (hg19) VCF-style: chr17-4837498-CTA-C.
Other names: NM_000173.7(GP1BA):c.1601_1602del; p.Tyr534fs; c.1601_1602delAT (NM_000173.6); c.1601_1602del (NM_000173.5); short protein forms Y534fs.
Identifiers: ClinVar variation 872581 (VCV000872581.52), dbSNP rs763978422, ClinGen allele CA8315034.

ClinVar aggregate classification (germline): Pathogenic. Review status: reviewed by expert panel (3 of 4 stars). 8 submissions from 8 submitters: Pathogenic (1). 7 of the submissions do not count toward it. Last evaluated 2025-02-11.

Conditions:
GP1BA-related disorder. Also called: GP1BA-related condition.
Bernard-Soulier syndrome, type A2, autosomal dominant (BSSA2). Also called: Bernard-Soulier syndrome, type A2 (dominant). Identifiers: Orphanet 274, MedGen C3277076, MONDO:0007930, OMIM 153670.
Pseudo von Willebrand disease (VWDP). Also called: BLEEDING DISORDER, PLATELET-TYPE, 3; Platelet-type von Willebrand disease. Identifiers: Orphanet 52530, MedGen C1280798, MONDO:0008332, OMIM 177820.
Bernard Soulier syndrome (BSS). Also called: BLEEDING DISORDER, PLATELET-TYPE, 1; Giant platelet syndrome; Hemorrhagiparous thrombocytic dystrophy; Giant platelet disease; PLATELET GLYCOPROTEIN Ib DEFICIENCY; VON WILLEBRAND FACTOR RECEPTOR DEFICIENCY. Identifiers: Orphanet 274, MedGen C0005129, MeSH D001606, MONDO:0009276, OMIM 231200.
Nonarteritic anterior ischemic optic neuropathy, susceptibility to (NAION). Also called: NAION, SUSCEPTIBILITY TO; OPTIC NEUROPATHY, ANTERIOR ISCHEMIC, SUSCEPTIBILITY TO. Identifiers: MedGen C1847711, MONDO:0009789, OMIM 258660.

Submissions (8):

ClinGen Platelet Disorders Variant Curation Expert Panel, ClinGen
Classification: Pathogenic for Bernard Soulier syndrome. Last evaluated: 2025-02-11. Review status: reviewed by expert panel. Criteria: ClinGen Platelet ACMG Specifications GP1BA V1.0.0. Collection method: curation. Allele origin: germline. Inheritance: Autosomal recessive inheritance.
Comment: The c.1601_1602del (p.Tyr534CysfsTer82) variant in GP1BA is a frameshift variant that may cause a premature stop codon that is predicted to escape nonsense mediated decay, however it alters a functionally important region, the transmembrane domain (amino acids 532-553), in a gene where loss-of-function is an established disease mechanism (PVS1_Strong). At least one patient (Patient 1 in PMID: 9326230) with this variant had less than 10% expression of GPIba measured by Western blot, which is highly specific for Bernard-Soulier syndrome. The patient also had a severe defect in ristocetin agglutination and a life-long history of excessive bleeding (PP4). This variant has been detected in at least three probands with Bernard-Soulier syndrome. Two of these individuals were homozygous for the variant (PMIDs: 9326229 and 9326230) and one individual was compound heterozygous (confirmed in trans by parental testing) for this variant and the c.165_168del (p.Ser55ArgfsTer12) which was classified as Likely Pathogenic by the VCEP (PMID: 11054083) (PM3_Strong). Surface expression of GP1a measured by flow cytometry in CHO βIX cells transiently co-transfected with the c.1601_1602del variant GP1 and wild type GP1a showed decreased expression at 20% (<25%) WT levels, indicating that this variant impacts protein function (PMID: 9326230)(PS3_supporting). The Grpmax Filtering allele frequency in gnomAD v4.1.0 is 0.00002394 (based on 38/1179788 alleles) in the European non-Finnish population, which is lower than the ClinGen PD VCEP threshold (<0.0001114; PM2_Supporting). In summary, this variant meets the criteria to be classified as Pathogenic for autosomal recessive Bernard-Soulier syndrome based on the ACMG/AMP criteria applied, as specified by the ClinGen PD VCEP: PVS1_Strong, PM3_Strong, PP4, PM2_Supporting and PS3_Supporting (VCEP specifications version 1).

GeneDx
Classification: Pathogenic. Last evaluated: 2026-04-16. Review status: criteria provided, single submitter. Criteria: GeneDx Variant Classification Process June 2021. Collection method: clinical testing. Allele origin: germline. Not counted in ClinVar's aggregate classification.
Comment: Published functional studies demonstrate a damaging effect on protein function (PMID: 9326230); Frameshift variant predicted to result in abnormal protein length as the last 119 amino acids are replaced with 81 different amino acids, and other similar variants have been reported in HGMD; This variant is associated with the following publications: (PMID: 34426522, 9326229, 11054083, 9326230, 32757236, 37647632, 33553065, 36430862, 25370924, 10089893)

Labcorp Genetics (formerly Invitae), Labcorp
Classification: Pathogenic. Last evaluated: 2026-01-20. Review status: criteria provided, single submitter. Criteria: Invitae Variant Classification Sherloc (09022015). Collection method: clinical testing. Allele origin: germline. Not counted in ClinVar's aggregate classification.
Comment: This sequence change creates a premature translational stop signal (p.Tyr534Cysfs*82) in the GP1BA gene. While this is not anticipated to result in nonsense mediated decay, it is expected to disrupt the last 119 amino acid(s) of the GP1BA protein. This variant is present in population databases (rs763978422, gnomAD 0.008%). This premature translational stop signal has been observed in individuals with Bernard-Soulier syndrome (PMID: 9326229, 9326230, 10089893, 11054083). This variant is also known as dinucleotide deletion at Tyr492 (TAT), Tyr505 (TAT), or Tyr508 (TAT). ClinVar contains an entry for this variant (Variation ID: 872581). Algorithms developed to predict the effect of variants on gene product structure and function are not available or were not evaluated for this variant. Experimental studies have shown that this premature translational stop signal affects GP1BA function (PMID: 9326230, 11054083). For these reasons, this variant has been classified as Pathogenic.

PreventionGenetics, part of Exact Sciences
Classification: Pathogenic for GP1BA-related condition. Last evaluated: 2023-01-30. Review status: criteria provided, single submitter. Criteria: ACMG Guidelines, 2015. Collection method: clinical testing. Allele origin: germline. Not counted in ClinVar's aggregate classification.
Comment: The GP1BA c.1601_1602delAT variant is predicted to result in a frameshift and premature protein termination (p.Tyr534Cysfs*82). This variant has been reported in at least one individual with Bernard-Soulier syndrome (Savoia et al. 2014. PubMed ID: 24934643). This variant has also been reported in an individual with nonsyndromic thrombocytopenia (Guéguen et al. 2020. PubMed ID: 32757236. Table S1). In ClinVar, this variant is interpreted as pathogenic and likely pathogenic. This variant is reported in 0.0078% of alleles in individuals of European (Non-Finnish) descent in gnomAD. Frameshift variants in GP1BA are expected to be pathogenic. This variant is interpreted as pathogenic.

Institute for Medical Genetics and Human Genetics, Charité - Universitätsmedizin Berlin
Classification: Likely pathogenic for Bernard-Soulier syndrome, type A2, autosomal dominant. Last evaluated: 2022-09-27. Review status: criteria provided, single submitter. Criteria: ACMG Guidelines, 2015. Collection method: clinical testing. Allele origin: germline. Inheritance: Autosomal dominant inheritance. Affected: yes. Observed: 1 heterozygote. Not counted in ClinVar's aggregate classification.

Department of Pathology and Laboratory Medicine, Sinai Health System
Classification: Pathogenic for Bernard-Soulier syndrome, type A2, autosomal dominant; Pseudo von Willebrand disease; Bernard Soulier syndrome; Nonarteritic anterior ischemic optic neuropathy, susceptibility to. Last evaluated: 2022-07-18. Review status: criteria provided, single submitter. Criteria: ACMG Guidelines, 2015. Collection method: research. Allele origin: germline. Not counted in ClinVar's aggregate classification.

MGZ Medical Genetics Center
Classification: Likely pathogenic for Bernard Soulier syndrome. Last evaluated: 2022-06-02. Review status: criteria provided, single submitter. Criteria: ACMG Guidelines, 2015. Collection method: clinical testing. Allele origin: germline. Affected: yes. Observed: 1 variant allele. Not counted in ClinVar's aggregate classification.
Comment: ACMG criteria applied: PVS1_MOD, PM3, PS4_SUP, PM2_SUP

CeGaT Center for Human Genetics Tuebingen
Classification: Pathogenic. Last evaluated: 2020-08-01. Review status: criteria provided, single submitter. Criteria: CeGaT Center For Human Genetics Tuebingen Variant Classification Criteria Version 2. Collection method: clinical testing. Allele origin: germline. Affected: yes. Observed: 2 variant alleles. Not counted in ClinVar's aggregate classification.

Literature cited by the submitters: PubMed 9326229 (cited by Labcorp Genetics (formerly Invitae), Labcorp); PubMed 9326230 (cited by Labcorp Genetics (formerly Invitae), Labcorp); PubMed 10089893 (cited by Labcorp Genetics (formerly Invitae), Labcorp); PubMed 11054083 (cited by Labcorp Genetics (formerly Invitae), Labcorp).